The following is an entry in ClinVar:

NM_000018.4(ACADVL):c.1444_1448del (p.Lys482fs)

Gene: ACADVL (acyl-CoA dehydrogenase very long chain; plus strand). Cytogenetic location: 17p13.1.
Variant type: Microsatellite.
Coding change: c.1444_1448del on transcript NM_000018.4 (MANE Select); coding-DNA positions 1444 to 1448, 5 bases deleted (AAGGA; older notation c.1444_1448delAAGGA).
Protein change: p.Lys482fs; shifts the reading frame from lysine 482.
Molecular consequence: frameshift variant.
Genome position (GRCh38, 1-based): chr17:7,224,155-7,224,159, AAGGA deleted; deleting any 5 consecutive bases within chr17:7,224,149-7,224,159 gives the same sequence; the c. name uses the placement nearest the transcript's 3' end. VCF-style (leftmost placement, unchanged base first): chr17-7224148-CAAAGG-C. GRCh37 (hg19) VCF-style: chr17-7127467-CAAAGG-C.
Other names: NM_001270448.2:c.1216_1220del; c.1378_1382del, p.Lys460fs (NM_001033859.3); c.1513_1517del, p.Lys505fs (NM_001270447.2); c.1216_1220del, p.Lys406fs (NM_001270448.2); short protein forms K406fs, K460fs, K482fs, K505fs.
Identifiers: ClinVar variation 2507418 (VCV002507418.1), dbSNP rs2508353112, ClinGen allele CA1139532272.

ClinVar aggregate classification (germline): Pathogenic (3 of 4 stars; one submission).

Conditions:
Very long chain acyl-CoA dehydrogenase deficiency (ACADVLD). Also called: Very Long-Chain Acyl-Coenzyme A Dehydrogenase Deficiency; VLCAD Deficiency. Identifiers: Orphanet 26793, MedGen C3887523, MONDO:0008723, OMIM 201475.

Submission:

ClinGen ACADVL Variant Curation Expert Panel, ClinGen
Classification: Pathogenic for Very long chain acyl-CoA dehydrogenase deficiency. Last evaluated: 2023-06-27. Review status: reviewed by expert panel. Criteria: clingen acadvl acmg specifications v1. Collection method: curation. Allele origin: germline. Inheritance: Autosomal recessive inheritance.
Comment: The c.1444_1448del variant in ACADVL is a frameshift predicted to cause a premature stop codon in biologically relevant exon 15/20 leading to nonsense mediated decay in a gene in which loss-of-function is an established disease mechanism (PVS1: PMIDs 9973285, 11590124). This variant was reported in a patient with ACADVL deficiency who carried the pathogenic p.Val283Ala allele(PM3_Supporting, PMID: 25834949). Deficient VLCAD enzyme activity (below 20% of normal) was also measured from this patient's cultured fibroblasts (PP4, PMID: 25834949). This variant is absent from population databases gnomAD v2.1.1 (PM2_supporting). In summary the ACADVL Variant Curation Expert Panel VCEP classified the variant as pathogenic based on PVS1+PM2_Supporting+PM3_supporting+PP4.